The following is an entry in ClinVar:

ClinVar aggregate classification (germline): Uncertain significance (1 of 4 stars; one submission).

Conditions:
Inborn genetic diseases. Identifiers: MedGen C0950123, MeSH D030342.

gnomAD v4.1: 1 of 1,613,580 alleles (0.000062%); highest among the groups gnomAD compares: Admixed American, 0.0017%; no homozygotes.

Submission:

Ambry Genetics
Classification: Uncertain significance for Inborn genetic diseases. Last evaluated: 2026-03-06. Review status: criteria provided, single submitter. Criteria: Ambry Variant Classification Scheme 2023. Collection method: clinical testing. Allele origin: germline.
Comment: The p.D438G variant (also known as c.1313A>G), located in coding exon 10 of the DNMT3A gene, results from an A to G substitution at nucleotide position 1313. The aspartic acid at codon 438 is replaced by glycine, an amino acid with similar properties. This amino acid position is conserved. In addition, the in silico prediction for this alteration is inconclusive. Based on the available evidence, the clinical significance of this variant remains unclear.

NM_022552.5(DNMT3A):c.1313A>G (p.Asp438Gly)

Gene: DNMT3A (DNA methyltransferase 3 alpha; minus strand). Cytogenetic location: 2p23.3.
Variant type: single nucleotide variant.
Coding change: c.1313A>G on transcript NM_022552.5 (MANE Select); coding-DNA position 1313, A replaced by G.
Protein change: p.Asp438Gly; replaces aspartic acid 438 with glycine.
Molecular consequence: missense variant. On other transcripts: non-coding transcript variant (1).
Genome position (GRCh38, 1-based): chr2:25,246,276, T>C on the plus strand (A>G on the coding strand, the complement: DNMT3A is on the minus strand). VCF-style: chr2-25246276-T-C. GRCh37 (hg19) VCF-style: chr2-25469145-T-C.
Other names: c.857A>G, p.Asp286Gly (NM_001320893.1); c.644A>G, p.Asp215Gly (NM_001375819.1); c.746A>G, p.Asp249Gly (NM_153759.3); c.1313A>G, p.Asp438Gly (NM_175629.2); short protein forms D286G, D249G, D438G, D215G.
Identifiers: ClinVar variation 4827672 (VCV004827672.1).
Genomic context (GRCh38, chr2:25,246,276, plus strand): 5'-CGGGGCTTTTTGGCTGGTGGAGGTGGTGCGTAGGCAGCTGCCTCAGGTTCCACCCACATG[T>C]CCGTGTACACTTCTTTGTAGGGATTCTTCTCTTCTGGAGGAGGAAAGCAGGTGCCAAGGT-3'
Protein context (NP_072046.2, residues 428-448): EKNPYKEVYT[Asp438Gly]MWVEPEAAAY